The following is an entry in ClinVar:

ClinVar aggregate classification (germline): Likely benign. Review status: criteria provided, multiple submitters, no conflicts (2 of 4 stars). 2 submissions from 2 submitters: Likely benign (2). Last evaluated 2024-09-11.

Conditions:
Hereditary diffuse gastric adenocarcinoma (HDGC). Also called: DIFFUSE GASTRIC AND LOBULAR BREAST CANCER SYNDROME. Identifiers: Orphanet 26106, MedGen C1708349, MONDO:0007648, OMIM 137215.

Submissions (2):

Myriad Genetics, Inc.
Classification: Likely benign for Hereditary diffuse gastric adenocarcinoma. Last evaluated: 2024-09-11. Review status: criteria provided, single submitter. Criteria: Myriad Autosomal Dominant, Autosomal Recessive and X-Linked Classification Criteria (2023). Collection method: clinical testing. Allele origin: unknown.
Comment: This variant is considered likely benign. This variant is intronic and is not expected to impact mRNA splicing.

Labcorp Genetics (formerly Invitae), Labcorp
Classification: Likely benign for Hereditary diffuse gastric adenocarcinoma. Last evaluated: 2020-06-17. Review status: criteria provided, single submitter. Criteria: Invitae Variant Classification Sherloc (09022015). Collection method: clinical testing. Allele origin: germline.

NM_004360.5(CDH1):c.163+7G>T

Gene: CDH1 (cadherin 1; plus strand). Cytogenetic location: 16q22.1.
Variant type: single nucleotide variant.
Coding change: c.163+7G>T on transcript NM_004360.5 (MANE Select); 7 bases into the intron after coding-DNA position 163, G replaced by T.
Molecular consequence: intron variant.
Genome position (GRCh38, 1-based): chr16:68,738,418, G>T. VCF-style: chr16-68738418-G-T. GRCh37 (hg19) VCF-style: chr16-68772321-G-T.
Other names: c.-1453+7G>T (NM_001317185.2); c.-1657+7G>T (NM_001317186.2); c.163+7G>T (NM_001317184.2).
Identifiers: ClinVar variation 1127702 (VCV001127702.10), dbSNP rs2152114498, ClinGen allele CA2499223651.